The following is an entry in ClinVar:

Single allele

Variant type: Deletion.
Identifiers: ClinVar variation 559455 (VCV000559455.3).

ClinVar aggregate classification (germline): Uncertain significance (1 of 4 stars; one submission).

Submission:

Geisinger Autism and Developmental Medicine Institute, Geisinger Health System
Classification: Uncertain significance. Last evaluated: 2018-04-05. Review status: criteria provided, single submitter. Criteria: ACMG CNV Guidelines, 2011. Collection method: provider interpretation. Allele origin: unknown.
Comment: Renal ultrasound revealed mild left-sided hydronephrosis, but kidneys were otherwise normal.